The following is an entry in ClinVar:

NM_000260.4(MYO7A):c.6397A>G (p.Ile2133Val)

Gene: MYO7A (myosin VIIA; plus strand). Cytogenetic location: 11q13.5.
Variant type: single nucleotide variant.
Coding change: c.6397A>G on transcript NM_000260.4 (MANE Select); coding-DNA position 6397, A replaced by G.
Protein change: p.Ile2133Val; replaces isoleucine 2133 with valine.
Molecular consequence: missense variant.
Genome position (GRCh38, 1-based): chr11:77,212,994, A>G. VCF-style: chr11-77212994-A-G. GRCh37 (hg19) VCF-style: chr11-76924039-A-G.
Other names: c.6277A>G, p.Ile2093Val (NM_001127180.2); c.6250A>G, p.Ile2084Val (NM_001369365.1); short protein forms I2093V, I2084V, I2133V.
Identifiers: ClinVar variation 3683705 (VCV003683705.2).

ClinVar aggregate classification (germline): Uncertain significance (1 of 4 stars; one submission).

Submission:

Labcorp Genetics (formerly Invitae), Labcorp
Classification: Uncertain significance. Last evaluated: 2024-08-21. Review status: criteria provided, single submitter. Criteria: Invitae Variant Classification Sherloc (09022015). Collection method: clinical testing. Allele origin: germline.
Comment: This sequence change replaces isoleucine, which is neutral and non-polar, with valine, which is neutral and non-polar, at codon 2133 of the MYO7A protein (p.Ile2133Val). This variant is not present in population databases (gnomAD no frequency). This variant has not been reported in the literature in individuals affected with MYO7A-related conditions. Invitae Evidence Modeling of protein sequence and biophysical properties (such as structural, functional, and spatial information, amino acid conservation, physicochemical variation, residue mobility, and thermodynamic stability) indicates that this missense variant is not expected to disrupt MYO7A protein function with a negative predictive value of 95%. In summary, the available evidence is currently insufficient to determine the role of this variant in disease. Therefore, it has been classified as a Variant of Uncertain Significance.